The following is an entry in ClinVar:

ClinVar aggregate classification (germline): Uncertain significance. Review status: criteria provided, multiple submitters, no conflicts (2 of 4 stars). 2 submissions from 2 submitters: Uncertain significance (2). Last evaluated 2025-09-26.

Conditions:
POLD1-related polyposis and colorectal cancer syndrome (CRCS10). Also called: COLORECTAL CANCER, SUSCEPTIBILITY TO, ON CHROMOSOME 19q; Colorectal cancer 10; Colorectal cancer, susceptibility to, 10. Identifiers: Orphanet 220460, MedGen C2675481, MONDO:0012953, OMIM 612591.
Hereditary cancer-predisposing syndrome. Also called: Neoplastic Syndromes, Hereditary; Tumor predisposition; Hereditary Cancer Syndrome; Hereditary neoplastic syndrome. Identifiers: Orphanet 140162, MedGen C0027672, MeSH D009386, MONDO:0015356.

Submissions (2):

Ambry Genetics
Classification: Uncertain significance for Hereditary cancer-predisposing syndrome. Last evaluated: 2025-09-26. Review status: criteria provided, single submitter. Criteria: Ambry Variant Classification Scheme 2023. Collection method: clinical testing. Allele origin: germline.
Comment: The p.A221V variant (also known as c.662C>T), located in coding exon 5 of the POLD1 gene, results from a C to T substitution at nucleotide position 662. The alanine at codon 221 is replaced by valine, an amino acid with similar properties. This amino acid position is conserved. In addition, this alteration is predicted to be tolerated by in silico analysis. Since supporting evidence is limited at this time, the clinical significance of this alteration remains unclear.

Labcorp Genetics (formerly Invitae), Labcorp
Classification: Uncertain significance for POLD1-related polyposis and colorectal cancer syndrome. Last evaluated: 2024-01-24. Review status: criteria provided, single submitter. Criteria: Invitae Variant Classification Sherloc (09022015). Collection method: clinical testing. Allele origin: germline.
Comment: This sequence change replaces alanine, which is neutral and non-polar, with valine, which is neutral and non-polar, at codon 221 of the POLD1 protein (p.Ala221Val). This variant is not present in population databases (gnomAD no frequency). This variant has not been reported in the literature in individuals affected with POLD1-related conditions. ClinVar contains an entry for this variant (Variation ID: 2448210). Advanced modeling of protein sequence and biophysical properties (such as structural, functional, and spatial information, amino acid conservation, physicochemical variation, residue mobility, and thermodynamic stability) performed at Invitae indicates that this missense variant is not expected to disrupt POLD1 protein function with a negative predictive value of 80%. In summary, the available evidence is currently insufficient to determine the role of this variant in disease. Therefore, it has been classified as a Variant of Uncertain Significance.

NM_002691.4(POLD1):c.662C>T (p.Ala221Val)

Gene: POLD1 (DNA polymerase delta 1, catalytic subunit; plus strand). Cytogenetic location: 19q13.33.
Variant type: single nucleotide variant.
Coding change: c.662C>T on transcript NM_002691.4 (MANE Select); coding-DNA position 662, C replaced by T.
Protein change: p.Ala221Val; replaces alanine 221 with valine.
Molecular consequence: missense variant. On other transcripts: non-coding transcript variant (1).
Genome position (GRCh38, 1-based): chr19:50,402,277, C>T. VCF-style: chr19-50402277-C-T. GRCh37 (hg19) VCF-style: chr19-50905534-C-T.
Other names: c.662C>T, p.Ala221Val (NM_001256849.1, NM_001308632.1); short protein forms A221V.
Identifiers: ClinVar variation 2448210 (VCV002448210.6), dbSNP rs2122244950, ClinGen allele CA406974208.